The following is an entry in ClinVar:

NM_002734.5(PRKAR1A):c.25A>C (p.Ser9Arg)

Gene: PRKAR1A (protein kinase cAMP-dependent type I regulatory subunit alpha; plus strand). Cytogenetic location: 17q24.2.
Variant type: single nucleotide variant.
Coding change: c.25A>C on transcript NM_002734.5 (MANE Select); coding-DNA position 25, A replaced by C.
Protein change: p.Ser9Arg; replaces serine 9 with arginine.
Molecular consequence: missense variant.
Genome position (GRCh38, 1-based): chr17:68,515,424, A>C. VCF-style: chr17-68515424-A-C. GRCh37 (hg19) VCF-style: chr17-66511565-A-C.
Other names: c.25A>C, p.Ser9Arg (NM_001276289.2, NM_001276290.1, NM_001278433.2 and 4 more transcripts); short protein forms S9R.
Identifiers: ClinVar variation 821550 (VCV000821550.14), dbSNP rs778468626, ClinGen allele CA8729141.
Genomic context (GRCh38, chr17:68,515,424, plus strand): 5'-TACAAGCATGTGTGTGTTTTTTTCTCGCAGAGAACCATGGAGTCTGGCAGTACCGCCGCC[A>C]GTGAGGAGGCACGCAGCCTTCGAGAATGTGAGCTCTACGTCCAGAAGCATAACATTCAAG-3'
Protein context (NP_002725.1, residues 1-19): MESGSTAA[Ser9Arg]EEARSLRECE

ClinVar aggregate classification (germline): Uncertain significance. Review status: criteria provided, multiple submitters, no conflicts (2 of 4 stars). 3 submissions from 3 submitters: Uncertain significance (3). Last evaluated 2025-12-21.

Conditions:
Hereditary cancer-predisposing syndrome. Also called: Tumor predisposition; Hereditary Cancer Syndrome; Neoplastic Syndromes, Hereditary; Hereditary neoplastic syndrome. Identifiers: Orphanet 140162, MedGen C0027672, MeSH D009386, MONDO:0015356.
Carney complex, type 1 (CNC1). Also called: CARNEY MYXOMA-ENDOCRINE COMPLEX; CARNEY COMPLEX, TYPE I. Identifiers: Orphanet 1359, MedGen C2607929, MONDO:0008057, OMIM 160980.

Allele frequency attached by ClinVar (database versions not stated): ExAC 0.00001; gnomAD exomes 0.00001; TOPMed 0.00001.
gnomAD v4.1: 28 of 1,613,470 alleles (0.0017%); highest among the groups gnomAD compares: Non-Finnish European, 0.0021%; no homozygotes.

Submissions (3):

Labcorp Genetics (formerly Invitae), Labcorp
Classification: Uncertain significance for Carney complex, type 1. Last evaluated: 2025-12-21. Review status: criteria provided, single submitter. Criteria: Invitae Variant Classification Sherloc (09022015). Collection method: clinical testing. Allele origin: germline.
Comment: This sequence change replaces serine, which is neutral and polar, with arginine, which is basic and polar, at codon 9 of the PRKAR1A protein (p.Ser9Arg). This variant is present in population databases (rs778468626, gnomAD 0.002%). This variant has not been reported in the literature in individuals affected with PRKAR1A-related conditions. ClinVar contains an entry for this variant (Variation ID: 821550). Invitae Evidence Modeling of protein sequence and biophysical properties (such as structural, functional, and spatial information, amino acid conservation, physicochemical variation, residue mobility, and thermodynamic stability) indicates that this missense variant is not expected to disrupt PRKAR1A protein function with a negative predictive value of 95%. In summary, the available evidence is currently insufficient to determine the role of this variant in disease. Therefore, it has been classified as a Variant of Uncertain Significance.

Ambry Genetics
Classification: Uncertain significance for Hereditary cancer-predisposing syndrome. Last evaluated: 2024-04-11. Review status: criteria provided, single submitter. Criteria: Ambry Variant Classification Scheme 2023. Collection method: clinical testing. Allele origin: germline.
Comment: The p.S9R variant (also known as c.25A>C), located in coding exon 1 of the PRKAR1A gene, results from an A to C substitution at nucleotide position 25. The serine at codon 9 is replaced by arginine, an amino acid with dissimilar properties. This amino acid position is not well conserved in available vertebrate species. In addition, this alteration is predicted to be deleterious by in silico analysis. Since supporting evidence is limited at this time, the clinical significance of this alteration remains unclear.

Women's Health and Genetics/Laboratory Corporation of America, LabCorp
Classification: Uncertain significance. Last evaluated: 2020-11-04. Review status: criteria provided, single submitter. Criteria: LabCorp Variant Classification Summary - May 2015. Collection method: clinical testing. Allele origin: germline.
Comment: Variant summary: PRKAR1A c.25A>C (p.Ser9Arg) results in a non-conservative amino acid change in the encoded protein sequence. Three of five in-silico tools predict a benign effect of the variant on protein function. The variant allele was found at a frequency of 8e-06 in 251450 control chromosomes (gnomAD). The available data on variant occurrences in the general population are insufficient to allow any conclusion about variant significance. To our knowledge, no occurrence of c.25A>C in individuals affected with Carney Complex and no experimental evidence demonstrating its impact on protein function have been reported. One co-occurrences with another pathogenic variant has been reported internally ( SMAD4 c.787+2T>C), providing supporting evidence for a benign role. Two ClinVar submitters (evaluation after 2014) cite the variant as uncertain significance. Based on the evidence outlined above, the variant was classified as uncertain significance.